The following is an entry in ClinVar:

ClinVar aggregate classification (germline): Uncertain significance (1 of 4 stars; one submission).

Conditions:
Autosomal recessive limb-girdle muscular dystrophy type 2C (LGMDR5). Also called: MUSCULAR DYSTROPHY, DUCHENNE-LIKE; MUSCULAR DYSTROPHY, LIMB-GIRDLE, AUTOSOMAL RECESSIVE 5. Identifiers: Orphanet 353, MedGen C0410173, MONDO:0009677, OMIM 253700. Disease mechanism: Affects gamma-sarcoglycan and also disrupts the integrity of the entire sarcoglycan complex..

Allele frequency attached by ClinVar (database versions not stated): gnomAD exomes below 0.00001 and 0.00001.
gnomAD v4.1: 9 of 1,605,548 alleles (0.00056%); highest among the groups gnomAD compares: Non-Finnish European, 0.00068%; no homozygotes.

Submission:

Labcorp Genetics (formerly Invitae), Labcorp
Classification: Uncertain significance for Autosomal recessive limb-girdle muscular dystrophy type 2C. Last evaluated: 2021-08-26. Review status: criteria provided, single submitter. Criteria: Invitae Variant Classification Sherloc (09022015). Collection method: clinical testing. Allele origin: germline.
Comment: This sequence change replaces alanine with threonine at codon 92 of the SGCG protein (p.Ala92Thr). The alanine residue is highly conserved and there is a small physicochemical difference between alanine and threonine. This variant is not present in population databases (ExAC no frequency). This variant has not been reported in the literature in individuals affected with SGCG-related conditions. Algorithms developed to predict the effect of missense changes on protein structure and function are either unavailable or do not agree on the potential impact of this missense change (SIFT: "Tolerated"; PolyPhen-2: "Possibly Damaging"; Align-GVGD: "Class C0"). In summary, the available evidence is currently insufficient to determine the role of this variant in disease. Therefore, it has been classified as a Variant of Uncertain Significance.

NM_000231.3(SGCG):c.274G>A (p.Ala92Thr)

Gene: SGCG (sarcoglycan gamma; plus strand). Cytogenetic location: 13q12.12.
Variant type: single nucleotide variant.
Coding change: c.274G>A on transcript NM_000231.3 (MANE Select); coding-DNA position 274, G replaced by A.
Protein change: p.Ala92Thr; replaces alanine 92 with threonine.
Molecular consequence: missense variant.
Genome position (GRCh38, 1-based): chr13:23,234,689, G>A. VCF-style: chr13-23234689-G-A. GRCh37 (hg19) VCF-style: chr13-23808828-G-A.
Other names: c.328G>A, p.Ala110Thr (NM_001378244.1); c.274G>A, p.Ala92Thr (NM_001378245.1, NM_001378246.1); short protein forms A110T, A92T.
Identifiers: ClinVar variation 1427251 (VCV001427251.5), dbSNP rs1566011069, ClinGen allele CA387506670.